The following is an entry in ClinVar:

NM_003476.5(CSRP3):c.575del (p.Lys192fs)

Gene: CSRP3 (cysteine and glycine rich protein 3; minus strand). Cytogenetic location: 11p15.1.
Variant type: Deletion.
Coding change: c.575del on transcript NM_003476.5 (MANE Select); coding-DNA position 575, one base deleted (A; older notation c.575delA).
Protein change: p.Lys192fs; shifts the reading frame from lysine 192.
Molecular consequence: frameshift variant.
Genome position (GRCh38, 1-based): chr11:19,182,680, T deleted on the plus strand (A on the coding strand, the reverse complement: CSRP3 is on the minus strand); the first of 4 consecutive T bases (chr11:19,182,680-19,182,683); deleting any one gives the same sequence. VCF-style (leftmost placement, unchanged base first): chr11-19182679-CT-C. GRCh37 (hg19) VCF-style: chr11-19204226-CT-C.
Other names: c.575delA (NM_003476.4); c.406del, p.Arg136fs (NM_001369404.1); c.575del (LRG_440t1); short protein forms R136fs, K192fs.
Identifiers: ClinVar variation 263453 (VCV000263453.3), dbSNP rs1554967246, ClinGen allele CA10587718.
Genomic context (GRCh38, chr11:19,182,679, plus strand): 5'-ACTTGGCAAGTGTTTTAGGCTCGCAAAAAATCTGAGAAACGGCGCACCTCTTCATTCTTT[CT>C]TTTCCACTTGTTGTGTAAGGCCTCCAAACCCAATACCCGTGGGGCCAAAATTTTTGGCAT-3'

ClinVar aggregate classification (germline): Uncertain significance. Review status: criteria provided, multiple submitters, no conflicts (2 of 4 stars). 3 submissions from 2 submitters: Uncertain significance (2). 1 of the submissions does not count toward it. Last evaluated 2017-07-10.

Conditions:
Cardiovascular phenotype. Identifiers: MedGen CN230736.

Submissions (3):

GeneDx
Classification: Uncertain significance. Last evaluated: 2017-07-10. Review status: criteria provided, single submitter. Criteria: GeneDx Variant Classification (06012015). Collection method: clinical testing. Allele origin: germline. Affected: yes.
Comment: A variant of uncertain significance has been identified in the CSRP3 gene. The c.575delA variant has not been published as pathogenic or been reported as benign to our knowledge. This variant is not observed in large population cohorts (Lek et al., 2016; 1000 Genomes Consortium et al., 2015; Exome Variant Server). The c.575delA variant causes a shift in reading frame starting at codon lysine 192, changing it to an arginine, and creating a premature stop codon at position 16 of the new reading frame, denoted p.Lys192ArgfsX16. However, this variant is not expected to result in either an abnormal, truncated protein product or loss of protein from this allele through nonsense-mediated mRNA decay as it results in the last three amino acids being replaced with 16 incorrect amino acids. Additionally, no other downstream frameshift variants in the CSRP3 gene have been reported in Human Gene Mutation Database in association with cardiomyopathy (Stenson et al., 2014).

Ambry Genetics
Classification: Uncertain significance for cardiovascular phenotype. Last evaluated: 2013-01-29. Review status: criteria provided, single submitter. Criteria: Ambry Autosomal Dominant and X-Linked criteria (10/2015). Collection method: clinical testing. Allele origin: germline. Observed: 1 variant allele.

Ambry Genetics
Classification: Uncertain significance for cardiovascular phenotype. Last evaluated: 2013-01-29. Review status: flagged submission. Criteria: Ambry Autosomal Dominant and X-Linked criteria (10/2015). Collection method: clinical testing. Allele origin: germline. Observed: 1 variant allele. Not counted in ClinVar's aggregate classification.
ClinVar note: Reason: This record appears to be redundant with a more recent record from the same submitter.
ClinVar note: Notes: SCV000318046 appears to be redundant with SCV000318052.